The following is an entry in ClinVar:

NM_201253.3(CRB1):c.3564T>G (p.His1188Gln)

Gene: CRB1 (crumbs cell polarity complex component 1; plus strand). Cytogenetic location: 1q31.3.
Variant type: single nucleotide variant.
Coding change: c.3564T>G on transcript NM_201253.3 (MANE Select); coding-DNA position 3564, T replaced by G.
Protein change: p.His1188Gln; replaces histidine 1188 with glutamine.
Molecular consequence: missense variant. On other transcripts: non-coding transcript variant (2), intron variant (1).
Genome position (GRCh38, 1-based): chr1:197,435,427, T>G. VCF-style: chr1-197435427-T-G. GRCh37 (hg19) VCF-style: chr1-197404557-T-G.
Other names: c.3228T>G, p.His1076Gln (NM_001193640.2); c.3492T>G, p.His1164Gln (NM_001257965.2); c.2129-173T>G (NM_001257966.2); short protein forms H1076Q, H1164Q, H1188Q.
Identifiers: ClinVar variation 1210391 (VCV001210391.9), dbSNP rs376271122, ClinGen allele CA344049744.

ClinVar aggregate classification (germline): Uncertain significance. Review status: criteria provided, multiple submitters, no conflicts (2 of 4 stars). 4 submissions from 2 submitters: Uncertain significance (4). Last evaluated 2021-10-19.

Conditions:
Leber congenital amaurosis 8 (LCA8). Identifiers: Orphanet 65, MedGen C3151202, MONDO:0013453, OMIM 613835.
Retinitis pigmentosa 12 (RP12). Also called: RP WITH OR WITHOUT PPRPE; RP WITH OR WITHOUT PRESERVED PARAARTERIOLE RETINAL PIGMENT EPITHELIUM; RETINITIS PIGMENTOSA WITH OR WITHOUT PARAARTERIOLAR PRESERVATION OF RETINAL PIGMENT EPITHELIUM. Identifiers: Orphanet 791, MedGen C1838647, MONDO:0010818, OMIM 600105.
Pigmented paravenous retinochoroidal atrophy. Identifiers: Orphanet 251295, MedGen C1868310, MONDO:0008246, OMIM 172870.

Submissions (4):

Labcorp Genetics (formerly Invitae), Labcorp
Classification: Uncertain significance for Leber congenital amaurosis 8; Retinitis pigmentosa 12. Last evaluated: 2021-10-19. Review status: criteria provided, single submitter. Criteria: Invitae Variant Classification Sherloc (09022015). Collection method: clinical testing. Allele origin: germline.
Comment: Algorithms developed to predict the effect of sequence changes on RNA splicing suggest that this variant may create or strengthen a splice site, but this prediction has not been confirmed by published transcriptional studies. In summary, the available evidence is currently insufficient to determine the role of this variant in disease. Therefore, it has been classified as a Variant of Uncertain Significance. Algorithms developed to predict the effect of missense changes on protein structure and function are either unavailable or do not agree on the potential impact of this missense change (SIFT: "Deleterious"; PolyPhen-2: "Probably Damaging"; Align-GVGD: "Class C15"). This variant has not been reported in the literature in individuals with CRB1-related conditions. This variant is not present in population databases (ExAC no frequency). This sequence change replaces histidine with glutamine at codon 1188 of the CRB1 protein (p.His1188Gln). The histidine residue is highly conserved and there is a small physicochemical difference between histidine and glutamine.

Genome-Nilou Lab
Classification: Uncertain significance for Leber congenital amaurosis 8. Last evaluated: 2021-07-22. Review status: criteria provided, single submitter. Criteria: ACMG Guidelines, 2015. Collection method: clinical testing. Allele origin: germline. Affected: no.

Genome-Nilou Lab
Classification: Uncertain significance for Pigmented paravenous retinochoroidal atrophy. Last evaluated: 2021-07-22. Review status: criteria provided, single submitter. Criteria: ACMG Guidelines, 2015. Collection method: clinical testing. Allele origin: germline. Affected: no.

Genome-Nilou Lab
Classification: Uncertain significance for Retinitis pigmentosa 12. Last evaluated: 2021-07-22. Review status: criteria provided, single submitter. Criteria: ACMG Guidelines, 2015. Collection method: clinical testing. Allele origin: germline. Affected: no.